The following is an entry in ClinVar:

NM_004333.6(BRAF):c.1141-3287G>A

Gene: BRAF (B-Raf proto-oncogene, serine/threonine kinase; minus strand). Cytogenetic location: 7q34.
Variant type: single nucleotide variant.
Coding change: c.1141-3287G>A on transcript NM_004333.6 (MANE Select); 3287 bases into the intron before coding-DNA position 1141, G replaced by A.
Molecular consequence: intron variant.
Genome position (GRCh38, 1-based): chr7:140,790,871, C>T on the plus strand (G>A on the coding strand, the complement: BRAF is on the minus strand). VCF-style: chr7-140790871-C-T. GRCh37 (hg19) VCF-style: chr7-140490671-C-T.
Other names: c.1141-3287G>A (NM_001378474.1, NM_001378468.1, NM_001354609.2 and 3 more transcripts); c.1039-3287G>A (NM_001378470.1); c.877-3287G>A (NM_001378475.1); c.1140+3437G>A (NM_001378471.1); c.1150-3287G>A (NM_001378467.1); c.985-3287G>A (NM_001378472.1, NM_001378473.1).
Identifiers: ClinVar variation 2658056 (VCV002658056.24), dbSNP rs529219675, ClinGen allele CA168097719.

ClinVar aggregate classification (germline): Likely benign (1 of 4 stars; one submission).

Allele frequency attached by ClinVar (database versions not stated): gnomAD 0.00025; TOPMed 0.00029; 1000 Genomes Project 0.00100; 1000 Genomes Project 30x 0.00172.
gnomAD v4.1: 40 of 152,300 alleles (0.026%); highest among the groups gnomAD compares: South Asian, 0.15%; no homozygotes.

Submission:

CeGaT Center for Human Genetics Tuebingen
Classification: Likely benign. Last evaluated: 2026-03-01. Review status: criteria provided, single submitter. Criteria: CeGaT Center For Human Genetics Tuebingen Variant Classification Criteria Version 2. Collection method: clinical testing. Allele origin: germline. Affected: yes. Observed: 4 variant alleles.
Comment: BRAF: BS1